The following is an entry in ClinVar:

NM_021961.6(TEAD1):c.1014+6T>C

Gene: TEAD1 (TEA domain transcription factor 1; plus strand). Cytogenetic location: 11p15.3.
Variant type: single nucleotide variant.
Coding change: c.1014+6T>C on transcript NM_021961.6 (MANE Select); 6 bases into the intron after coding-DNA position 1014, T replaced by C.
Molecular consequence: intron variant.
Genome position (GRCh38, 1-based): chr11:12,925,058, T>C. VCF-style: chr11-12925058-T-C. GRCh37 (hg19) VCF-style: chr11-12946605-T-C.
Identifiers: ClinVar variation 1025419 (VCV001025419.8), dbSNP rs746622012, ClinGen allele CA5891783.

ClinVar aggregate classification (germline): Uncertain significance (1 of 4 stars; one submission).

Allele frequency attached by ClinVar (database versions not stated): gnomAD exomes below 0.00001; ExAC 0.00001; gnomAD 0.00003.
gnomAD v4.1: 8 of 1,613,834 alleles (0.0005%); highest among the groups gnomAD compares: Non-Finnish European, 0.00068%; no homozygotes.

Submission:

Labcorp Genetics (formerly Invitae), Labcorp
Classification: Uncertain significance. Last evaluated: 2021-09-10. Review status: criteria provided, single submitter. Criteria: Invitae Variant Classification Sherloc (09022015). Collection method: clinical testing. Allele origin: germline.
Comment: This sequence change falls in intron 11 of the TEAD1 gene. It does not directly change the encoded amino acid sequence of the TEAD1 protein. It affects a nucleotide within the consensus splice site of the intron. This variant is present in population databases (rs746622012, ExAC 0.002%). This variant has not been reported in the literature in individuals affected with TEAD1-related conditions. Variants that disrupt the consensus splice site are a relatively common cause of aberrant splicing (PMID: 17576681, 9536098). Algorithms developed to predict the effect of sequence changes on RNA splicing suggest that this variant is not likely to affect RNA splicing. In summary, the available evidence is currently insufficient to determine the role of this variant in disease. Therefore, it has been classified as a Variant of Uncertain Significance.

Literature cited by the submitters: PubMed 17576681; PubMed 9536098.